The following is an entry in ClinVar:

ClinVar aggregate classification (germline): Uncertain significance (1 of 4 stars; one submission).

Conditions:
Hereditary cancer-predisposing syndrome. Also called: Neoplastic Syndromes, Hereditary; Tumor predisposition; Hereditary Cancer Syndrome; Hereditary neoplastic syndrome. Identifiers: Orphanet 140162, MedGen C0027672, MeSH D009386, MONDO:0015356.

Submission:

Ambry Genetics
Classification: Uncertain significance for Hereditary cancer-predisposing syndrome. Last evaluated: 2019-07-18. Review status: criteria provided, single submitter. Criteria: Ambry Variant Classification Scheme 2023. Collection method: clinical testing. Allele origin: germline.
Comment: The p.L67V variant (also known as c.199C>G), located in coding exon 3 of the PALB2 gene, results from a C to G substitution at nucleotide position 199. The leucine at codon 67 is replaced by valine, an amino acid with highly similar properties. This amino acid position is well conserved in available vertebrate species. In addition, this alteration is predicted to be tolerated by in silico analysis. Since supporting evidence is limited at this time, the clinical significance of this alteration remains unclear.

NM_024675.4(PALB2):c.199C>G (p.Leu67Val)

Gene: PALB2 (partner and localizer of BRCA2; minus strand). Cytogenetic location: 16p12.2.
Variant type: single nucleotide variant.
Coding change: c.199C>G on transcript NM_024675.4 (MANE Select); coding-DNA position 199, C replaced by G.
Protein change: p.Leu67Val; replaces leucine 67 with valine.
Molecular consequence: missense variant.
Genome position (GRCh38, 1-based): chr16:23,637,862, G>C on the plus strand (C>G on the coding strand, the complement: PALB2 is on the minus strand). VCF-style: chr16-23637862-G-C. GRCh37 (hg19) VCF-style: chr16-23649183-G-C.
Other names: short protein forms L67V.
Identifiers: ClinVar variation 820504 (VCV000820504.4), dbSNP rs1597101301, ClinGen allele CA395139030.